The following is an entry in ClinVar:

ClinVar aggregate classification (germline): Likely pathogenic (1 of 4 stars; one submission).

Conditions:
Epilepsy, childhood absence, susceptibility to, 1. Also called: Epilepsy, childhood absence 1. Identifiers: Orphanet 64280, MedGen C1838604, MONDO:0020759, OMIM 600131.
Epilepsy, childhood absence, susceptibility to, 5. Identifiers: Orphanet 64280, MedGen C2677087, MONDO:0012843, OMIM 612269.

Submission:

Labcorp Genetics (formerly Invitae), Labcorp
Classification: Likely pathogenic for Epilepsy, childhood absence, susceptibility to, 5; Epilepsy, childhood absence, susceptibility to, 1. Last evaluated: 2022-09-12. Review status: criteria provided, single submitter. Criteria: Invitae Variant Classification Sherloc (09022015). Collection method: clinical testing. Allele origin: germline.
Comment: Advanced modeling of protein sequence and biophysical properties (such as structural, functional, and spatial information, amino acid conservation, physicochemical variation, residue mobility, and thermodynamic stability) performed at Invitae indicates that this missense variant is expected to disrupt GABRB3 protein function. In summary, the currently available evidence indicates that the variant is pathogenic, but additional data are needed to prove that conclusively. Therefore, this variant has been classified as Likely Pathogenic. This missense change has been observed in individual(s) with clinical features of GABRB3-related conditions (Invitae). It has also been observed to segregate with disease in related individuals. This variant is not present in population databases (gnomAD no frequency). This sequence change replaces cysteine, which is neutral and slightly polar, with serine, which is neutral and polar, at codon 161 of the GABRB3 protein (p.Cys161Ser).

NM_000814.6(GABRB3):c.481T>A (p.Cys161Ser)

Gene: GABRB3 (gamma-aminobutyric acid type A receptor subunit beta3; minus strand). Cytogenetic location: 15q12.
Variant type: single nucleotide variant.
Coding change: c.481T>A on transcript NM_000814.6 (MANE Select); coding-DNA position 481, T replaced by A.
Protein change: p.Cys161Ser; replaces cysteine 161 with serine.
Molecular consequence: missense variant.
Genome position (GRCh38, 1-based): chr15:26,583,395, A>T on the plus strand (T>A on the coding strand, the complement: GABRB3 is on the minus strand). VCF-style: chr15-26583395-A-T. GRCh37 (hg19) VCF-style: chr15-26828542-A-T.
Other names: c.226T>A, p.Cys76Ser (NM_001191320.2, NM_001278631.2); c.268T>A, p.Cys90Ser (NM_001191321.3); c.481T>A, p.Cys161Ser (NM_021912.5); short protein forms C161S, C76S, C90S.
Identifiers: ClinVar variation 2110611 (VCV002110611.4), dbSNP rs2504213556, ClinGen allele CA391458113.
Genomic context (GRCh38, chr15:26,583,395, plus strand): 5'-TTTCAATTTCCAGAGTGCAGTTCTGCTCGTCCAGGGGGTATCTCCTGAGGTCCATCATGC[A>T]TGCTGCTGTCGTGGTGATTCTGAAATACACAGGGTGAGGGAAGATATTAAAGAAGGGCTG-3'
Protein context (NP_000805.1, residues 151-171): YGLRITTTAA[Cys161Ser]MMDLRRYPLD